The following is an entry in ClinVar:

NM_004092.4(ECHS1):c.712G>A (p.Ala238Thr)

Gene: ECHS1 (enoyl-CoA hydratase, short chain 1; minus strand). Cytogenetic location: 10q26.3.
Variant type: single nucleotide variant.
Coding change: c.712G>A on transcript NM_004092.4 (MANE Select); coding-DNA position 712, G replaced by A.
Protein change: p.Ala238Thr; replaces alanine 238 with threonine.
Molecular consequence: missense variant.
Genome position (GRCh38, 1-based): chr10:133,366,003, C>T on the plus strand (G>A on the coding strand, the complement: ECHS1 is on the minus strand). VCF-style: chr10-133366003-C-T. GRCh37 (hg19) VCF-style: chr10-135179507-C-T.
Other names: short protein forms A238T.
Identifiers: ClinVar variation 4879568 (VCV004879568.1).

ClinVar aggregate classification (germline): Likely pathogenic (1 of 4 stars; one submission).

Conditions:
Mitochondrial short-chain Enoyl-Coa hydratase 1 deficiency. Also called: PxMD-ECHS1; Mitochondrial Short-Chain Enoyl-CoA Hydratase Deficiency; ECHS1 deficiency. Identifiers: Orphanet 255241, Orphanet 653880, MedGen C4225391, MONDO:0014563, OMIM 616277.

gnomAD v4.1: 2 of 1,614,002 alleles (0.00012%); highest among the groups gnomAD compares: Non-Finnish European, 0.00017%; no homozygotes.

Submission:

Victorian Clinical Genetics Services, Murdoch Childrens Research Institute
Classification: Likely pathogenic for Mitochondrial short-chain Enoyl-Coa hydratase 1 deficiency. Last evaluated: 2026-04-14. Review status: criteria provided, single submitter. Criteria: ACMG Guidelines, 2015. Collection method: clinical testing. Allele origin: germline. Affected: yes.
Comment: This variant is classified as Likely pathogenic. Evidence in support of pathogenic classification: Variant is present in gnomAD <0.01 for a recessive condition (v4: 2 heterozygote(s), 0 homozygote(s)); Other missense variants comparable to the one identified in this case have strong previous evidence for pathogenicity. The p.(Ala238Pro) and p.(Ala238Val) variants have been classified as pathogenic or likely pathogenic by clinical laboratories in ClinVar. These two variants have also been reported in the literature in a presumed or confirmed compound heterozygous state with other pathogenic ECHS1 variants in individuals with Leigh syndrome or mitochondrial disease (PMIDs: 35094435, 26099313, 32677093); Heterozygous variant detected in trans with a second PATHOGENIC heterozygous variant (NM_004092.4(ECHS1):c.299T>C; p.(Ile100Thr)) in a recessive disease. Evidence in support of benign classification: Same amino acid change has been observed in placental mammals. Additional information: Variant is predicted to result in a missense amino acid change from Ala to Thr; This variant is heterozygous; This gene is associated with autosomal recessive disease; Alternative amino acid change(s) at the same position are present in gnomAD (highest allele count: v4: 21 heterozygote(s), 0 homozygote(s)); This variant has no previous evidence of pathogenicity; No published evidence of segregation with disease has been identified for this variant; No published functional evidence has been identified for this variant; Variant is located in the annotated enoyl-CoA hydratase/isomerase domain (DECIPHER); Loss of function is a known mechanism of disease in this gene and is associated with mitochondrial short-chain enoyl-CoA hydratase 1 deficiency (MIM#616277); Variants in this gene are known to have variable expressivity. The age at onset and clinical manifestations of ECHS1 deficiency, are known to vary from severe neonatal onset to a slowly progressive juvenile form (PMID: 36064416).

Literature cited by the submitters: PubMed 32677093; PubMed 35094435; PubMed 26099313; PubMed 36064416.